The following is an entry in ClinVar:

ClinVar aggregate classification (germline): Likely benign (1 of 4 stars; one submission).

Submission:

CeGaT Center for Human Genetics Tuebingen
Classification: Likely benign. Last evaluated: 2023-10-01. Review status: criteria provided, single submitter. Criteria: CeGaT Center For Human Genetics Tuebingen Variant Classification Criteria Version 2. Collection method: clinical testing. Allele origin: germline. Affected: yes. Observed: 1 variant allele.
Comment: BCORL1: PM2:Supporting, BP4, BP7

NM_001379451.1(BCORL1):c.3570C>T (p.Ser1190=)

Gene: BCORL1 (BCL6 corepressor like 1; plus strand). Cytogenetic location: Xq26.1.
Variant type: single nucleotide variant.
Coding change: c.3570C>T on transcript NM_001379451.1 (MANE Select); coding-DNA position 3570, C replaced by T.
Protein change: p.Ser1190=; no amino-acid change (serine 1190 retained).
Molecular consequence: synonymous variant.
Genome position (GRCh38, 1-based): chrX:130,021,113, C>T. VCF-style: chrX-130021113-C-T. GRCh37 (hg19) VCF-style: chrX-129155088-C-T.
Other names: c.3570C>T, p.Ser1190= (NM_001184772.3, NM_001379450.1, NM_021946.5).
Identifiers: ClinVar variation 2661419 (VCV002661419.24), dbSNP rs2522723469, ClinGen allele CA518468065.